The following is an entry in ClinVar:

NM_001114753.3(ENG):c.396_397delinsAA (p.Val133Ile)

Gene: ENG (endoglin; minus strand). Cytogenetic location: 9q34.11.
Variant type: Indel.
Coding change: c.396_397delinsAA on transcript NM_001114753.3 (MANE Select); coding-DNA positions 396 to 397, GG replaced by AA.
Protein change: p.Val133Ile; replaces valine 133 with isoleucine.
Molecular consequence: missense variant. On other transcripts: 5 prime UTR variant (1).
Genome position (GRCh38, 1-based): chr9:127,826,636-127,826,637, CC replaced by TT on the plus strand (GG replaced by AA on the coding strand, the reverse complement: ENG is on the minus strand). VCF-style: chr9-127826636-CC-TT. GRCh37 (hg19) VCF-style: chr9-130588915-CC-TT.
Other names: c.396_397delGGinsAA (NM_000118.3); c.396_397delGGinsAA, p.Val133Ile (NM_000118.4, NM_001406715.1); c.-151_-150delinsAA (NM_001278138.2); short protein forms V133I.
Identifiers: ClinVar variation 458348 (VCV000458348.8), dbSNP rs1554810507, ClinGen allele CA658656042.

ClinVar aggregate classification (germline): Uncertain significance (1 of 4 stars; one submission).

Conditions:
Hereditary hemorrhagic telangiectasia (HHT). Also called: ORW DISEASE; Osler Weber Rendu syndrome; OSLER-RENDU-WEBER DISEASE; Osler hemorrhagic telangiectasia syndrome. Identifiers: Orphanet 774, MedGen C0039445, MONDO:0019180. Disease mechanism: loss of function.

Submission:

Labcorp Genetics (formerly Invitae), Labcorp
Classification: Uncertain significance for Hereditary hemorrhagic telangiectasia. Last evaluated: 2017-03-26. Review status: criteria provided, single submitter. Criteria: Invitae Variant Classification Sherloc (09022015). Collection method: clinical testing. Allele origin: germline.
Comment: Algorithms developed to predict the effect of missense changes on protein structure and function do not agree on the potential impact of this missense change (SIFT: "Tolerated"; PolyPhen-2: "Possibly Damaging"; Align-GVGD: "Class C0"). This sequence change replaces valine with isoleucine at codon 133 of the ENG protein (p.Val133Ile). The valine residue is moderately conserved and there is a small physicochemical difference between valine and isoleucine. In summary, this variant is a novel missense change with uncertain impact on protein function. It has been classified as a Variant of Uncertain Significance. This variant is not present in population databases (ExAC no frequency) and has not been reported in the literature in individuals with an ENG-related disease.